The following is an entry in ClinVar:

ClinVar aggregate classification (germline): Uncertain significance (1 of 4 stars; one submission).

Conditions:
Familial thoracic aortic aneurysm and aortic dissection (TAAD). Also called: Thoracic aortic aneurysms and dissections. Identifiers: Orphanet 91387, MedGen C4707243, MONDO:0019625.

Submission:

All of Us Research Program, National Institutes of Health
Classification: Uncertain significance for Familial thoracic aortic aneurysm and aortic dissection. Last evaluated: 2024-05-30. Review status: criteria provided, single submitter. Criteria: ACMG Guidelines, 2015. Collection method: clinical testing. Allele origin: germline. Inheritance: Autosomal dominant inheritance. Observed: 1 variant allele, 1 heterozygote.
Comment: This missense variant replaces glutamic acid with alanine at codon 1866 of the MYH11 protein. Computational prediction suggests that this variant may have deleterious impact on protein structure and function (internally defined REVEL score threshold >= 0.7, PMID: 27666373). To our knowledge, functional studies have not been reported for this variant. This variant has not been reported in individuals affected with MYH11-related disorders in the literature. This variant has not been identified in the general population by the Genome Aggregation Database (gnomAD). The available evidence is insufficient to determine the role of this variant in disease conclusively. Therefore, this variant is classified as a Variant of Uncertain Significance.

This study involves interpretation of variants in research participants for the purpose of population health screening. Participant phenotype was not available at the time of variant classification. Additional details can be found in publication PMID: 35346344, PMCID: PMC8962531

NM_002474.3(MYH11):c.5576A>C (p.Glu1859Ala)

Genes: NDE1 (nudE neurodevelopment protein 1; plus strand), MYH11 (myosin heavy chain 11; minus strand). Cytogenetic location: 16p13.11.
Variant type: single nucleotide variant.
Coding change: c.5576A>C on transcript NM_002474.3 (MANE Select); coding-DNA position 5576, A replaced by C.
Protein change: p.Glu1859Ala; replaces glutamic acid 1859 with alanine.
Molecular consequence: missense variant. On other transcripts: intron variant (2).
Genome position (GRCh38, 1-based): chr16:15,715,201, T>G on the plus strand (A>C on the coding strand, the complement: MYH11 is on the minus strand). VCF-style: chr16-15715201-T-G. GRCh37 (hg19) VCF-style: chr16-15809058-T-G.
Other names: c.5597A>C, p.Glu1866Ala (NM_001040113.2, NM_001040114.2); c.5576A>C, p.Glu1859Ala (NM_022844.3); c.948-8990T>G (NM_001143979.2, NM_017668.3); short protein forms E1859A, E1866A.
Identifiers: ClinVar variation 3387163 (VCV003387163.1).